The following is an entry in ClinVar:

ClinVar aggregate classification (germline): Conflicting classifications of pathogenicity. Review status: criteria provided, conflicting classifications (1 of 4 stars). 5 submissions from 5 submitters: Uncertain significance (1); Likely benign (4). Last evaluated 2025-04-30.

Conditions:
Autosomal recessive nonsyndromic hearing loss 30. Identifiers: Orphanet 90636, MedGen C1846784, MONDO:0011774, OMIM 607101.

Allele frequency attached by ClinVar (database versions not stated): ExAC 0.00007; gnomAD exomes 0.00007 and 0.00023; gnomAD 0.00014; TOPMed 0.00014; ESP Exome Variant Server 0.00015.
gnomAD v4.1: 357 of 1,613,946 alleles (0.022%); highest among the groups gnomAD compares: Non-Finnish European, 0.028%; no homozygotes.

Submissions (5):

Labcorp Genetics (formerly Invitae), Labcorp
Classification: Likely benign. Last evaluated: 2025-04-30. Review status: criteria provided, single submitter. Criteria: Invitae Variant Classification Sherloc (09022015). Collection method: clinical testing. Allele origin: germline.

Blueprint Genetics
Classification: Likely benign. Last evaluated: 2021-05-12. Review status: criteria provided, single submitter. Criteria: ACMG Guidelines, 2015. Collection method: clinical testing. Allele origin: germline.

GeneDx
Classification: Likely benign. Last evaluated: 2020-09-03. Review status: criteria provided, single submitter. Criteria: GeneDx Variant Classification Process June 2021. Collection method: clinical testing. Allele origin: germline. Affected: yes.

Illumina Laboratory Services, Illumina
Classification: Uncertain significance for Autosomal recessive nonsyndromic hearing loss 30. Last evaluated: 2018-01-13. Review status: criteria provided, single submitter. Criteria: ICSL Variant Classification Criteria 13 December 2019. Collection method: clinical testing. Allele origin: germline.

Laboratory for Molecular Medicine, Mass General Brigham Personalized Medicine
Classification: Likely benign. Last evaluated: 2017-12-21. Review status: criteria provided, single submitter. Criteria: LMM Criteria. Collection method: clinical testing. Allele origin: germline. Observed: 1 variant allele.
Comment: p.Thr302Thr in Exon 10 of MYO3A: This variant is not expected to have clinical s ignificance because it does not alter an amino acid residue, is not located with in the splice consensus sequence, and has been identified in 16/126598 European chromosomes and 4/34408 Latino chromosomes by the Genome Aggregation Database ( gnomAD; dbSNP rs139818474). ACMG/AMP criteria applied: BP7.

NM_017433.5(MYO3A):c.906G>A (p.Thr302=)

Gene: MYO3A (myosin IIIA; plus strand). Cytogenetic location: 10p12.1.
Variant type: single nucleotide variant.
Coding change: c.906G>A on transcript NM_017433.5 (MANE Select); coding-DNA position 906, G replaced by A.
Protein change: p.Thr302=; no amino-acid change (threonine 302 retained).
Molecular consequence: synonymous variant.
Genome position (GRCh38, 1-based): chr10:26,026,485, G>A. VCF-style: chr10-26026485-G-A. GRCh37 (hg19) VCF-style: chr10-26315414-G-A.
Identifiers: ClinVar variation 299649 (VCV000299649.15), dbSNP rs139818474, ClinGen allele CA5444477.